The following is an entry in ClinVar:

NM_152393.4(KLHL40):c.341C>T (p.Pro114Leu)

Gene: KLHL40 (kelch like family member 40; plus strand). Cytogenetic location: 3p22.1.
Variant type: single nucleotide variant.
Coding change: c.341C>T on transcript NM_152393.4 (MANE Select); coding-DNA position 341, C replaced by T.
Protein change: p.Pro114Leu; replaces proline 114 with leucine.
Molecular consequence: missense variant.
Genome position (GRCh38, 1-based): chr3:42,685,959, C>T. VCF-style: chr3-42685959-C-T. GRCh37 (hg19) VCF-style: chr3-42727451-C-T.
Other names: short protein forms P114L.
Identifiers: ClinVar variation 1396663 (VCV001396663.6), dbSNP rs1333354759, ClinGen allele CA352289177.

ClinVar aggregate classification (germline): Uncertain significance (1 of 4 stars; one submission).

Conditions:
Nemaline myopathy 8 (NEM8). Also called: Nemaline myopathy 8, autosomal recessive. Identifiers: Orphanet 171430, MedGen C3809209, MONDO:0014138, OMIM 615348.

Allele frequency attached by ClinVar (database versions not stated): gnomAD exomes below 0.00001; TOPMed below 0.00001; gnomAD 0.00001.

Submission:

Labcorp Genetics (formerly Invitae), Labcorp
Classification: Uncertain significance for Nemaline myopathy 8. Last evaluated: 2023-05-08. Review status: criteria provided, single submitter. Criteria: Invitae Variant Classification Sherloc (09022015). Collection method: clinical testing. Allele origin: germline.
Comment: The frequency data for this variant in the population databases is considered unreliable, as metrics indicate poor data quality at this position in the gnomAD database. In summary, the available evidence is currently insufficient to determine the role of this variant in disease. Therefore, it has been classified as a Variant of Uncertain Significance. Advanced modeling of protein sequence and biophysical properties (such as structural, functional, and spatial information, amino acid conservation, physicochemical variation, residue mobility, and thermodynamic stability) performed at Invitae indicates that this missense variant is not expected to disrupt KLHL40 protein function. ClinVar contains an entry for this variant (Variation ID: 1396663). This variant has not been reported in the literature in individuals affected with KLHL40-related conditions. This sequence change replaces proline, which is neutral and non-polar, with leucine, which is neutral and non-polar, at codon 114 of the KLHL40 protein (p.Pro114Leu).